The following is an entry in ClinVar:

ClinVar aggregate classification (germline): Uncertain significance (1 of 4 stars; one submission).

Submission:

GeneDx
Classification: Uncertain significance. Last evaluated: 2025-07-23. Review status: criteria provided, single submitter. Criteria: GeneDx Variant Classification Process June 2021. Collection method: clinical testing. Allele origin: germline.
Comment: Not observed at significant frequency in large population cohorts (gnomAD); In silico analysis supports that this missense variant has a deleterious effect on protein structure/function; Has not been previously published as pathogenic or benign to our knowledge

NM_019066.5(MAGEL2):c.521C>T (p.Pro174Leu)

Gene: MAGEL2 (MAGE family member L2; minus strand). Cytogenetic location: 15q11.2.
Variant type: single nucleotide variant.
Coding change: c.521C>T on transcript NM_019066.5 (MANE Select); coding-DNA position 521, C replaced by T.
Protein change: p.Pro174Leu; replaces proline 174 with leucine.
Molecular consequence: missense variant.
Genome position (GRCh38, 1-based): chr15:23,647,222, G>A on the plus strand (C>T on the coding strand, the complement: MAGEL2 is on the minus strand). VCF-style: chr15-23647222-G-A. GRCh37 (hg19) VCF-style: chr15-23892369-G-A.
Other names: short protein forms P174L.
Identifiers: ClinVar variation 3777513 (VCV003777513.2).